The following is an entry in ClinVar:

NM_003872.3(NRP2):c.2139G>A (p.Pro713=)

Gene: NRP2 (neuropilin 2; plus strand). Cytogenetic location: 2q33.3.
Variant type: single nucleotide variant.
Coding change: c.2139G>A on transcript NM_003872.3 (MANE Select); coding-DNA position 2139, G replaced by A.
Protein change: p.Pro713=; no amino-acid change (proline 713 retained).
Molecular consequence: synonymous variant.
Genome position (GRCh38, 1-based): chr2:205,763,768, G>A. VCF-style: chr2-205763768-G-A. GRCh37 (hg19) VCF-style: chr2-206628492-G-A.
Other names: c.2139G>A, p.Pro713= (NM_018534.4, NM_201266.2, NM_201267.2 and 1 more transcripts).
Identifiers: ClinVar variation 3029292 (VCV003029292.2), dbSNP rs140321072, ClinGen allele CA2069330.

ClinVar aggregate classification (germline): Likely benign (0 of 4 stars; one submission).

Conditions:
NRP2-related disorder. Also called: NRP2-related condition.

Allele frequency attached by ClinVar (database versions not stated): gnomAD 0.00005; TOPMed 0.00007; ESP Exome Variant Server 0.00015.
gnomAD v4.1: 127 of 1,614,072 alleles (0.0079%); highest among the groups gnomAD compares: Non-Finnish European, 0.01%; no homozygotes.

Submission:

PreventionGenetics, part of Exact Sciences
Classification: Likely benign for NRP2-related condition. Last evaluated: 2021-07-19. Review status: no assertion criteria provided. Collection method: clinical testing. Allele origin: germline.
Comment: This variant is classified as likely benign based on ACMG/AMP sequence variant interpretation guidelines (Richards et al. 2015 PMID: 25741868, with internal and published modifications).